The following is an entry in ClinVar:

NM_000081.4(LYST):c.1153G>A (p.Val385Ile)

Gene: LYST (lysosomal trafficking regulator; minus strand). Cytogenetic location: 1q42.3.
Variant type: single nucleotide variant.
Coding change: c.1153G>A on transcript NM_000081.4 (MANE Select); coding-DNA position 1153, G replaced by A.
Protein change: p.Val385Ile; replaces valine 385 with isoleucine.
Molecular consequence: missense variant.
Genome position (GRCh38, 1-based): chr1:235,809,665, C>T on the plus strand (G>A on the coding strand, the complement: LYST is on the minus strand). VCF-style: chr1-235809665-C-T. GRCh37 (hg19) VCF-style: chr1-235972965-C-T.
Other names: c.1153G>A, p.Val385Ile (NM_001301365.1); short protein forms V385I.
Identifiers: ClinVar variation 3637309 (VCV003637309.2).

ClinVar aggregate classification (germline): Uncertain significance (1 of 4 stars; one submission).

Conditions:
Chédiak-Higashi syndrome (CHS). Also called: Chediak-Higashi Syndrome. Identifiers: Orphanet 167, MedGen C0007965, MONDO:0008963, OMIM 214500.

Submission:

Labcorp Genetics (formerly Invitae), Labcorp
Classification: Uncertain significance for Chédiak-Higashi syndrome. Last evaluated: 2024-06-25. Review status: criteria provided, single submitter. Criteria: Invitae Variant Classification Sherloc (09022015). Collection method: clinical testing. Allele origin: germline.
Comment: This sequence change replaces valine, which is neutral and non-polar, with isoleucine, which is neutral and non-polar, at codon 385 of the LYST protein (p.Val385Ile). This variant is not present in population databases (gnomAD no frequency). This variant has not been reported in the literature in individuals affected with LYST-related conditions. Advanced modeling of protein sequence and biophysical properties (such as structural, functional, and spatial information, amino acid conservation, physicochemical variation, residue mobility, and thermodynamic stability) performed at Invitae indicates that this missense variant is not expected to disrupt LYST protein function with a negative predictive value of 80%. In summary, the available evidence is currently insufficient to determine the role of this variant in disease. Therefore, it has been classified as a Variant of Uncertain Significance.